The following is an entry in ClinVar:

NM_000228.3(LAMB3):c.1189G>A (p.Gly397Arg)

Gene: LAMB3 (laminin subunit beta 3; minus strand). Cytogenetic location: 1q32.2.
Variant type: single nucleotide variant.
Coding change: c.1189G>A on transcript NM_000228.3 (MANE Select); coding-DNA position 1189, G replaced by A.
Protein change: p.Gly397Arg; replaces glycine 397 with arginine.
Molecular consequence: missense variant.
Genome position (GRCh38, 1-based): chr1:209,628,134, C>T on the plus strand (G>A on the coding strand, the complement: LAMB3 is on the minus strand). VCF-style: chr1-209628134-C-T. GRCh37 (hg19) VCF-style: chr1-209801479-C-T.
Other names: c.1189G>A, p.Gly397Arg (NM_001017402.2, NM_001127641.1); short protein forms G397R.
Identifiers: ClinVar variation 3025619 (VCV003025619.22), dbSNP rs779219301, ClinGen allele CA1375670.

ClinVar aggregate classification (germline): Uncertain significance (1 of 4 stars; one submission).

Allele frequency attached by ClinVar (database versions not stated): gnomAD 0.00001; ExAC 0.00003.
gnomAD v4.1: 5 of 1,580,926 alleles (0.00032%); highest among the groups gnomAD compares: South Asian, 0.0012%; no homozygotes.

Submission:

CeGaT Center for Human Genetics Tuebingen
Classification: Uncertain significance. Last evaluated: 2024-02-01. Review status: criteria provided, single submitter. Criteria: CeGaT Center For Human Genetics Tuebingen Variant Classification Criteria Version 2. Collection method: clinical testing. Allele origin: germline. Affected: yes. Observed: 1 variant allele.
Comment: LAMB3: PM2, PP3